The following is an entry in ClinVar:

NM_006030.4(CACNA2D2):c.700G>A (p.Val234Met)

Gene: CACNA2D2 (calcium voltage-gated channel auxiliary subunit alpha2delta 2; minus strand). Cytogenetic location: 3p21.31.
Variant type: single nucleotide variant.
Coding change: c.700G>A on transcript NM_006030.4 (MANE Select); coding-DNA position 700, G replaced by A.
Protein change: p.Val234Met; replaces valine 234 with methionine.
Molecular consequence: missense variant.
Genome position (GRCh38, 1-based): chr3:50,381,079, C>T on the plus strand (G>A on the coding strand, the complement: CACNA2D2 is on the minus strand). VCF-style: chr3-50381079-C-T. GRCh37 (hg19) VCF-style: chr3-50418510-C-T.
Other names: c.700G>A, p.Val234Met (NM_001005505.3, NM_001174051.3); c.493G>A, p.Val165Met (NM_001291101.1); short protein forms V234M, V165M.
Identifiers: ClinVar variation 933580 (VCV000933580.5), dbSNP rs902415770, ClinGen allele CA74616375.

ClinVar aggregate classification (germline): Uncertain significance (1 of 4 stars; one submission).

Conditions:
Developmental and epileptic encephalopathy. Identifiers: MedGen C5779964, MONDO:0100620.

Submission:

Labcorp Genetics (formerly Invitae), Labcorp
Classification: Uncertain significance for Early-infantile DEE. Last evaluated: 2019-06-07. Review status: criteria provided, single submitter. Criteria: Invitae Variant Classification Sherloc (09022015). Collection method: clinical testing. Allele origin: germline.
Comment: This sequence change replaces valine with methionine at codon 234 of the CACNA2D2 protein (p.Val234Met). The valine residue is moderately conserved and there is a small physicochemical difference between valine and methionine. This variant is not present in population databases (ExAC no frequency). This variant has not been reported in the literature in individuals with CACNA2D2-related conditions. Algorithms developed to predict the effect of missense changes on protein structure and function are either unavailable or do not agree on the potential impact of this missense change (SIFT: "Deleterious"; PolyPhen-2: "Probably Damaging"; Align-GVGD: "Class C0"). In summary, the available evidence is currently insufficient to determine the role of this variant in disease. Therefore, it has been classified as a Variant of Uncertain Significance.